The following is an entry in ClinVar:

ClinVar aggregate classification (germline): Uncertain significance (1 of 4 stars; one submission).

Submission:

Labcorp Genetics (formerly Invitae), Labcorp
Classification: Uncertain significance. Last evaluated: 2025-08-18. Review status: criteria provided, single submitter. Criteria: Invitae Variant Classification Sherloc (09022015). Collection method: clinical testing. Allele origin: germline.
Comment: This sequence change replaces glycine, which is neutral and non-polar, with arginine, which is basic and polar, at codon 736 of the COL11A1 protein (p.Gly736Arg). This variant is not present in population databases (gnomAD no frequency). This variant has not been reported in the literature in individuals affected with COL11A1-related conditions. ClinVar contains an entry for this variant (Variation ID: 1000198). Invitae Evidence Modeling of protein sequence and biophysical properties (such as structural, functional, and spatial information, amino acid conservation, physicochemical variation, residue mobility, and thermodynamic stability) indicates that this missense variant is expected to disrupt COL11A1 protein function with a positive predictive value of 80%. Algorithms developed to predict the effect of sequence changes on RNA splicing suggest that this variant may disrupt the consensus splice site. In summary, the available evidence is currently insufficient to determine the role of this variant in disease. Therefore, it has been classified as a Variant of Uncertain Significance.

NM_001854.4(COL11A1):c.2206G>A (p.Gly736Arg)

Gene: COL11A1 (collagen type XI alpha 1 chain; minus strand). Cytogenetic location: 1p21.1.
Variant type: single nucleotide variant.
Coding change: c.2206G>A on transcript NM_001854.4 (MANE Select); coding-DNA position 2206, G replaced by A.
Protein change: p.Gly736Arg; replaces glycine 736 with arginine.
Molecular consequence: missense variant. On other transcripts: non-coding transcript variant (1).
Genome position (GRCh38, 1-based): chr1:102,997,115, C>T on the plus strand (G>A on the coding strand, the complement: COL11A1 is on the minus strand). VCF-style: chr1-102997115-C-T. GRCh37 (hg19) VCF-style: chr1-103462671-C-T.
Other names: c.2089G>A, p.Gly697Arg (NM_001190709.2); c.2242G>A, p.Gly748Arg (NM_080629.3); c.1858G>A, p.Gly620Arg (NM_080630.4); short protein forms G620R, G697R, G736R, G748R.
Identifiers: ClinVar variation 1000198 (VCV001000198.8), dbSNP rs1664704778, ClinGen allele CA341169504.